The following is an entry in ClinVar:

NM_004385.5(VCAN):c.*1652G>C

Gene: VCAN (versican; plus strand). Cytogenetic location: 5q14.3.
Variant type: single nucleotide variant.
Coding change: c.*1652G>C on transcript NM_004385.5 (MANE Select); 1652 bases downstream of the stop codon, G replaced by C.
Molecular consequence: 3 prime UTR variant.
Genome position (GRCh38, 1-based): chr5:83,582,086, G>C. VCF-style: chr5-83582086-G-C. GRCh37 (hg19) VCF-style: chr5-82877905-G-C.
Other names: c.*1652G>C (NM_001126336.3, NM_001164097.2, NM_001164098.2).
Identifiers: ClinVar variation 354498 (VCV000354498.6), dbSNP rs148439157, ClinGen allele CA10625181.

ClinVar aggregate classification (germline): Benign (1 of 4 stars; one submission).

Conditions:
Vitreoretinopathy. Also called: Vitreoretinal degeneration. Identifiers: MedGen C0344290, MONDO:0020248, HP:0007773.

Allele frequency attached by ClinVar (database versions not stated): 1000 Genomes Project 30x 0.00234; 1000 Genomes Project 0.00240; TOPMed 0.00381; gnomAD 0.00382 and 0.00406.

Submission:

Illumina Laboratory Services, Illumina
Classification: Benign for Vitreoretinopathy. Last evaluated: 2018-01-13. Review status: criteria provided, single submitter. Criteria: ICSL Variant Classification Criteria 13 December 2019. Collection method: clinical testing. Allele origin: germline.
Comment: This variant was observed in the ICSL laboratory as part of a predisposition screen in an ostensibly healthy population. It had not been previously curated by ICSL or reported in the Human Gene Mutation Database (HGMD: prior to June 1st, 2018), and was therefore a candidate for classification through an automated scoring system. Utilizing variant allele frequency, disease prevalence and penetrance estimates, and inheritance mode, an automated score was calculated to assess if this variant is too frequent to cause the disease. Based on the score and internal cut-off values, a variant classified as benign is not then subjected to further curation. The score for this variant resulted in a classification of benign for this disease.